The following is an entry in ClinVar:

NM_001377142.1(PLCB4):c.986A>G (p.Asn329Ser)

Gene: PLCB4 (phospholipase C beta 4; plus strand). Cytogenetic location: 20p12.2.
Variant type: single nucleotide variant.
Coding change: c.986A>G on transcript NM_001377142.1 (MANE Select); coding-DNA position 986, A replaced by G.
Protein change: p.Asn329Ser; replaces asparagine 329 with serine.
Molecular consequence: missense variant.
Genome position (GRCh38, 1-based): chr20:9,384,333, A>G. VCF-style: chr20-9384333-A-G. GRCh37 (hg19) VCF-style: chr20-9364980-A-G.
Other names: c.986A>G, p.Asn329Ser (NM_000933.4, NM_001172646.2, NM_001377134.2 and 4 more transcripts); c.986A>G (NM_000933.3); short protein forms N329S.
Identifiers: ClinVar variation 31638 (VCV000031638.2), dbSNP rs387907179, ClinGen allele CA129861.

ClinVar aggregate classification (germline): Uncertain significance. Review status: criteria provided, single submitter (1 of 4 stars). 2 submissions from 2 submitters: Uncertain significance (1). 1 of the submissions does not count toward it. Last evaluated 2026-03-06.

Conditions:
Auriculocondylar syndrome 2 (ARCND2A). Also called: AURICULOCONDYLAR SYNDROME 2A. Identifiers: Orphanet 137888, MedGen C3553404, MONDO:0013845, OMIM 614669.

Submissions (2):

GeneDx
Classification: Uncertain significance. Last evaluated: 2026-03-06. Review status: criteria provided, single submitter. Criteria: GeneDx Variant Classification Process June 2021. Collection method: clinical testing. Allele origin: germline.
Comment: In silico analysis supports that this missense variant has a deleterious effect on protein structure/function; Not observed at significant frequency in large population cohorts (gnomAD); This variant is associated with the following publications: (PMID: 26659599, 27527004, 38618928, 26147798, 24677549, 22560091)

OMIM
Classification: Pathogenic for AURICULOCONDYLAR SYNDROME 2. Last evaluated: 2012-05-04. Review status: no assertion criteria provided. Collection method: literature only. Allele origin: germline. Not counted in ClinVar's aggregate classification.

Literature cited by the submitters: PubMed 22560091 (cited by OMIM).